The following is an entry in ClinVar:

NM_003664.5(AP3B1):c.2983A>G (p.Lys995Glu)

Gene: AP3B1 (adaptor related protein complex 3 subunit beta 1; minus strand). Cytogenetic location: 5q14.1.
Variant type: single nucleotide variant.
Coding change: c.2983A>G on transcript NM_003664.5 (MANE Select); coding-DNA position 2983, A replaced by G.
Protein change: p.Lys995Glu; replaces lysine 995 with glutamic acid.
Molecular consequence: missense variant.
Genome position (GRCh38, 1-based): chr5:78,020,701, T>C on the plus strand (A>G on the coding strand, the complement: AP3B1 is on the minus strand). VCF-style: chr5-78020701-T-C. GRCh37 (hg19) VCF-style: chr5-77316525-T-C.
Other names: c.2836A>G, p.Lys946Glu (NM_001271769.2); short protein forms K995E, K946E.
Identifiers: ClinVar variation 2790631 (VCV002790631.1), dbSNP rs2478843255, ClinGen allele CA360333250.
Genomic context (GRCh38, chr5:78,020,701, plus strand): 5'-GCACATATTATTTGGTATGTAAATTTCTAGTAAGTTGTAGACATCTCTCACCTTGCTCTT[T>C]CTTAAAATCTTTCTCTGACATGGCCACAGGTAAAAGCAGTTCTCCAACAGGTGGCTGAAT-3'
Protein context (NP_003655.3, residues 985-1005): PVAMSEKDFK[Lys995Glu]EQGVLTGMNE

ClinVar aggregate classification (germline): Uncertain significance (1 of 4 stars; one submission).

Conditions:
Hermansky-Pudlak syndrome 2 (HPS2). Also called: Platelet defects and oculocutaneous albinism. Identifiers: Orphanet 183678, Orphanet 79430, MedGen C1842362, MONDO:0011997, OMIM 608233.

Submission:

Labcorp Genetics (formerly Invitae), Labcorp
Classification: Uncertain significance for Hermansky-Pudlak syndrome 2. Last evaluated: 2024-01-11. Review status: criteria provided, single submitter. Criteria: Invitae Variant Classification Sherloc (09022015). Collection method: clinical testing. Allele origin: germline.
Comment: This sequence change replaces lysine, which is basic and polar, with glutamic acid, which is acidic and polar, at codon 995 of the AP3B1 protein (p.Lys995Glu). This variant is not present in population databases (gnomAD no frequency). This variant has not been reported in the literature in individuals affected with AP3B1-related conditions. An algorithm developed to predict the effect of missense changes on protein structure and function (PolyPhen-2) suggests that this variant¬†is likely to be tolerated. In summary, the available evidence is currently insufficient to determine the role of this variant in disease. Therefore, it has been classified as a Variant of Uncertain Significance.